The following is an entry in ClinVar:

ClinVar aggregate classification (germline): Uncertain significance (1 of 4 stars; one submission).

Conditions:
Hereditary cancer-predisposing syndrome. Also called: Hereditary Cancer Syndrome; Neoplastic Syndromes, Hereditary; Tumor predisposition; Hereditary neoplastic syndrome. Identifiers: Orphanet 140162, MedGen C0027672, MeSH D009386, MONDO:0015356.

Submission:

Ambry Genetics
Classification: Uncertain significance for Hereditary cancer-predisposing syndrome. Last evaluated: 2021-12-29. Review status: criteria provided, single submitter. Criteria: Ambry Variant Classification Scheme 2023. Collection method: clinical testing. Allele origin: germline.
Comment: The p.I167F variant (also known as c.499A>T), located in coding exon 6 of the RAD51D gene, results from an A to T substitution at nucleotide position 499. The isoleucine at codon 167 is replaced by phenylalanine, an amino acid with highly similar properties. This amino acid position is conserved. In addition, the in silico prediction for this alteration is inconclusive. Since supporting evidence is limited at this time, the clinical significance of this alteration remains unclear.

NM_002878.4(RAD51D):c.499A>T (p.Ile167Phe)

Genes: RAD51L3-RFFL (RAD51L3-RFFL readthrough; minus strand), RAD51D (RAD51 paralog D; minus strand). Cytogenetic location: 17q12.
Variant type: single nucleotide variant.
Coding change: c.499A>T on transcript NM_002878.4 (MANE Select); coding-DNA position 499, A replaced by T.
Protein change: p.Ile167Phe; replaces isoleucine 167 with phenylalanine.
Molecular consequence: missense variant. On other transcripts: non-coding transcript variant (3).
Genome position (GRCh38, 1-based): chr17:35,106,463, T>A on the plus strand (A>T on the coding strand, the complement: RAD51D is on the minus strand). VCF-style: chr17-35106463-T-A. GRCh37 (hg19) VCF-style: chr17-33433482-T-A.
Other names: c.559A>T, p.Ile187Phe (NM_001142571.2); c.163A>T, p.Ile55Phe (NM_133629.3); short protein forms I167F, I55F, I187F.
Identifiers: ClinVar variation 1744637 (VCV001744637.2), dbSNP rs2142429553, ClinGen allele CA399088978.